The following is an entry in ClinVar:

ClinVar aggregate classification (germline): Conflicting classifications of pathogenicity. Review status: criteria provided, conflicting classifications (1 of 4 stars). 3 submissions from 3 submitters: Uncertain significance (1); Likely benign (1). 1 of the submissions does not count toward it. Last evaluated 2025-10-21.

Conditions:
DIS3-related disorder. Also called: DIS3-related condition.

Allele frequency attached by ClinVar (database versions not stated): ESP Exome Variant Server 0.00079; ExAC 0.00059; 1000 Genomes Project 30x 0.00125; gnomAD 0.00129; 1000 Genomes Project 0.00120.
gnomAD v4.1: 366 of 1,573,456 alleles (0.023%); highest among the groups gnomAD compares: African/African-American, 0.46%; 1 homozygote.

Submissions (3):

Ambry Genetics
Classification: Uncertain significance. Last evaluated: 2025-10-21. Review status: criteria provided, single submitter. Criteria: Ambry Variant Classification Scheme 2023. Collection method: clinical testing. Allele origin: germline.

Breakthrough Genomics
Classification: Likely benign. Review status: criteria provided, single submitter. Criteria: ACMG Guidelines, 2015. Collection method: not provided. Allele origin: germline. Inheritance: Unknown mechanism. Affected: yes.

PreventionGenetics, part of Exact Sciences
Classification: Likely benign for DIS3-related condition. Last evaluated: 2021-03-02. Review status: no assertion criteria provided. Collection method: clinical testing. Allele origin: germline. Not counted in ClinVar's aggregate classification.
Comment: This variant is classified as likely benign based on ACMG/AMP sequence variant interpretation guidelines (Richards et al. 2015 PMID: 25741868, with internal and published modifications).

NM_014953.5(DIS3):c.121G>C (p.Gly41Arg)

Gene: DIS3 (DIS3 exosome endoribonuclease and 3'-5' exoribonuclease; minus strand). Cytogenetic location: 13q21.33.
Variant type: single nucleotide variant.
Coding change: c.121G>C on transcript NM_014953.5 (MANE Select); coding-DNA position 121, G replaced by C.
Protein change: p.Gly41Arg; replaces glycine 41 with arginine.
Molecular consequence: missense variant. On other transcripts: 5 prime UTR variant (2).
Genome position (GRCh38, 1-based): chr13:72,781,712, C>G on the plus strand (G>C on the coding strand, the complement: DIS3 is on the minus strand). VCF-style: chr13-72781712-C-G. GRCh37 (hg19) VCF-style: chr13-73355850-C-G.
Other names: c.121G>C, p.Gly41Arg (NM_001128226.3); c.-91G>C (NM_001322348.2); c.-434G>C (NM_001322349.2); c.121G>C (NM_014953.3); short protein forms G41R.
Identifiers: ClinVar variation 3035841 (VCV003035841.4), dbSNP rs376810829, ClinGen allele CA7001779.
Genomic context (GRCh38, chr13:72,781,712, plus strand): 5'-GGCAGACGCTGCTCGCCGGGTCCTGGGGCTGCGGCTCCAGGGCCGGCCCCTCGTGCGCCC[C>G]TCCACACGCTGCGCACCCGGGCGCACCGCAGCCGATGTCGTCTCGCAGGTAGTGCTCGCG-3'
Protein context (NP_055768.3, residues 31-51): CGAPGCAACG[Gly41Arg]AHEGPALEPQ